The following is an entry in ClinVar:

ClinVar aggregate classification (germline): Uncertain significance. Review status: criteria provided, multiple submitters, no conflicts (2 of 4 stars). 2 submissions from 2 submitters: Uncertain significance (2). Last evaluated 2024-05-20.

Conditions:
Retinoblastoma (RB1). Also called: RETINOBLASTOMA, SOMATIC. Identifiers: Orphanet 790, MedGen C0035335, MeSH D012175, MONDO:0008380, OMIM 180200, HP:0009919. Disease mechanism: loss of function. Inheritance: Both sporadic and heritable forms are tested..

Submissions (2):

Genetic Diagnostic Laboratory, University of Pennsylvania School of Medicine
Classification: Uncertain significance for Retinoblastoma. Last evaluated: 2024-05-20. Review status: criteria provided, single submitter. Criteria: ACMG Guidelines, 2015. Collection method: clinical testing. Allele origin: germline. Affected: yes. Observed: 1 variant allele.
Comment: Case and Pedigree Information: BILATERAL CASES:1, UNILATERAL CASES:0, TOTAL CASES:1, PEDIGREES:1. ACMG Codes Applied:PM1, PM2

Eurofins Ntd Llc (ga)
Classification: Uncertain significance. Last evaluated: 2016-04-06. Review status: criteria provided, single submitter. Criteria: EGL Classification Definitions 2015. Collection method: clinical testing. Allele origin: germline.

NM_000321.3(RB1):c.1472T>C (p.Leu491Pro)

Gene: RB1 (RB transcriptional corepressor 1; plus strand). Cytogenetic location: 13q14.2.
Variant type: single nucleotide variant.
Coding change: c.1472T>C on transcript NM_000321.3 (MANE Select); coding-DNA position 1472, T replaced by C.
Protein change: p.Leu491Pro; replaces leucine 491 with proline.
Molecular consequence: missense variant.
Genome position (GRCh38, 1-based): chr13:48,380,215, T>C. VCF-style: chr13-48380215-T-C. GRCh37 (hg19) VCF-style: chr13-48954351-T-C.
Other names: L11910:g.77051T>C; short protein forms L491P.
Identifiers: ClinVar variation 126839 (VCV000126839.6), dbSNP rs587778848, ClinGen allele CA026379.